The following is an entry in ClinVar:

NM_001291303.3(FAT4):c.4334A>G (p.His1445Arg)

Gene: FAT4 (FAT atypical cadherin 4; plus strand). Cytogenetic location: 4q28.1.
Variant type: single nucleotide variant.
Coding change: c.4334A>G on transcript NM_001291303.3 (MANE Select); coding-DNA position 4334, A replaced by G.
Protein change: p.His1445Arg; replaces histidine 1445 with arginine.
Molecular consequence: missense variant. On other transcripts: intron variant (1).
Genome position (GRCh38, 1-based): chr4:125,320,745, A>G. VCF-style: chr4-125320745-A-G. GRCh37 (hg19) VCF-style: chr4-126241900-A-G.
Other names: c.4334A>G, p.His1445Arg (NM_001291285.3, NM_001438396.1, NM_001438397.1 and 1 more transcripts); c.-55+4768A>G (NM_001437895.1); short protein forms H1445R.
Identifiers: ClinVar variation 4685743 (VCV004685743.1).

ClinVar aggregate classification (germline): Uncertain significance (1 of 4 stars; one submission).

gnomAD v4.1: 4 of 1,614,078 alleles (0.00025%); highest among the groups gnomAD compares: African/African-American, 0.0013%; no homozygotes.

Submission:

ARUP Laboratories, Molecular Genetics and Genomics, ARUP Laboratories
Classification: Uncertain significance. Last evaluated: 2025-04-09. Review status: criteria provided, single submitter. Criteria: ARUP Molecular Germline Variant Investigation Process 2024. Collection method: clinical testing. Allele origin: germline.
Comment: The FAT4 c.4334A>G; p.His1445Arg variant (rs370523155), to our knowledge, is not reported in the medical literature or gene specific databases. This variant is found in the general population with an overall allele frequency of 0.00071% (2/280774 alleles) in the Genome Aggregation Database (v2.1.1). Computational analyses predict that this variant is neutral (REVEL: 0.068). Due to conflicting information, the clinical significance of this variant is uncertain at this time.